The following is an entry in ClinVar:

ClinVar aggregate classification (germline): Conflicting classifications of pathogenicity. Review status: criteria provided, conflicting classifications (1 of 4 stars). 2 submissions from 2 submitters: Likely pathogenic (1); Uncertain significance (1). Last evaluated 2023-12-11.

Conditions:
Autosomal recessive nonsyndromic hearing loss 4 (DFNB4). Also called: FOXI1-Related Pendred Syndrome; KCNJ10-Related Pendred Syndrome; DEAFNESS, AUTOSOMAL RECESSIVE 4, WITH ENLARGED VESTIBULAR AQUEDUCT, DIGENIC; Deafness, autosomal recessive 4; Enlarged vestibular aqueduct, digenic; NEUROSENSORY NONSYNDROMIC RECESSIVE DEAFNESS 4. Identifiers: Orphanet 90636, MedGen C3538946, MONDO:0010933, OMIM 600791.

Submissions (2):

Labcorp Genetics (formerly Invitae), Labcorp
Classification: Likely pathogenic. Last evaluated: 2023-12-11. Review status: criteria provided, single submitter. Criteria: Invitae Variant Classification Sherloc (09022015). Collection method: clinical testing. Allele origin: germline.
Comment: This sequence change replaces valine, which is neutral and non-polar, with leucine, which is neutral and non-polar, at codon 231 of the SLC26A4 protein (p.Val231Leu). This variant is not present in population databases (gnomAD no frequency). This missense change has been observed in individual(s) with Pendred syndrome (PMID: 25991456). ClinVar contains an entry for this variant (Variation ID: 133300). Advanced modeling of protein sequence and biophysical properties (such as structural, functional, and spatial information, amino acid conservation, physicochemical variation, residue mobility, and thermodynamic stability) performed at Invitae indicates that this missense variant is expected to disrupt SLC26A4 protein function with a positive predictive value of 95%. This variant disrupts the p.Val231 amino acid residue in SLC26A4. Other variant(s) that disrupt this residue have been observed in individuals with SLC26A4-related conditions (PMID: 19287372, 25372295, 25991456), which suggests that this may be a clinically significant amino acid residue. In summary, the currently available evidence indicates that the variant is pathogenic, but additional data are needed to prove that conclusively. Therefore, this variant has been classified as Likely Pathogenic.

Molecular Genetics Laboratory; Baylor College of Medicine
Classification: Uncertain significance. Review status: criteria provided, single submitter. Criteria: Submitter's publication. Collection method: not provided. Allele origin: unknown.
ClinVar note: Converted during submission from unknown to Uncertain significance.

Literature cited by the submitters: PubMed 25991456 (cited by Labcorp Genetics (formerly Invitae), Labcorp); PubMed 19287372 (cited by Labcorp Genetics (formerly Invitae), Labcorp); PubMed 25372295 (cited by Labcorp Genetics (formerly Invitae), Labcorp).

NM_000441.2(SLC26A4):c.691G>C (p.Val231Leu)

Gene: SLC26A4 (solute carrier family 26 member 4; plus strand). Cytogenetic location: 7q22.3.
Variant type: single nucleotide variant.
Coding change: c.691G>C on transcript NM_000441.2 (MANE Select); coding-DNA position 691, G replaced by C.
Protein change: p.Val231Leu; replaces valine 231 with leucine.
Molecular consequence: missense variant.
Genome position (GRCh38, 1-based): chr7:107,675,035, G>C. VCF-style: chr7-107675035-G-C. GRCh37 (hg19) VCF-style: chr7-107315480-G-C.
Other names: short protein forms V231L.
Identifiers: ClinVar variation 133300 (VCV000133300.7), dbSNP rs483353047, ClinGen allele CA269900.
Genomic context (GRCh38, chr7:107,675,035, plus strand): 5'-ATAGTGAGGTACTTGGCAGATCCTTTGGTTGGTGGCTTCACAACAGCTGCTGCCTTCCAA[G>C]TGCTGGTCTCACAGCTAAAGATTGTCCTCAATGTTTCAACCAAAAACTACAATGGAGTTC-3'
Protein context (NP_000432.1, residues 221-241): GGFTTAAAFQ[Val231Leu]LVSQLKIVLN